The following is an entry in ClinVar:

ClinVar aggregate classification (germline): Likely benign (0 of 4 stars; one submission).

Conditions:
SLC27A5-related disorder. Also called: SLC27A5-related condition.

Submission:

PreventionGenetics, part of Exact Sciences
Classification: Likely benign for SLC27A5-related condition. Last evaluated: 2024-08-29. Review status: no assertion criteria provided. Collection method: clinical testing. Allele origin: germline.
Comment: This variant is classified as likely benign based on ACMG/AMP sequence variant interpretation guidelines (Richards et al. 2015 PMID: 25741868, with internal and published modifications).

NM_012254.3(SLC27A5):c.36G>T (p.Leu12=)

Gene: SLC27A5 (solute carrier family 27 member 5; minus strand). Cytogenetic location: 19q13.43.
Variant type: single nucleotide variant.
Coding change: c.36G>T on transcript NM_012254.3 (MANE Select); coding-DNA position 36, G replaced by T.
Protein change: p.Leu12=; no amino-acid change (leucine 12 retained).
Molecular consequence: synonymous variant.
Genome position (GRCh38, 1-based): chr19:58,511,920, C>A on the plus strand (G>T on the coding strand, the complement: SLC27A5 is on the minus strand). VCF-style: chr19-58511920-C-A. GRCh37 (hg19) VCF-style: chr19-59023287-C-A.
Other names: c.36G>T, p.Leu12= (NM_001321196.2).
Identifiers: ClinVar variation 3358685 (VCV003358685.1).